The following is an entry in ClinVar:

ClinVar aggregate classification (germline): Conflicting classifications of pathogenicity. Review status: criteria provided, conflicting classifications (1 of 4 stars). 9 submissions from 9 submitters: Uncertain significance (5); Likely benign (3). 1 of the submissions does not count toward it. Last evaluated 2026-01-25.

Conditions:
Breast-ovarian cancer, familial, susceptibility to, 1 (BROVCA1). Also called: BRCA1 Hereditary Breast and Ovarian Cancer; OVARIAN CANCER, SUSCEPTIBILITY TO. Identifiers: Orphanet 145, MedGen C2676676, MONDO:0011450, OMIM 604370. Disease mechanism: loss of function.
Hereditary breast ovarian cancer syndrome. Also called: Hereditary breast and ovarian cancer syndrome; Breast and ovarian cancer; Hereditary breast and ovarian cancer syndrome (HBOC); Hereditary breast and/or ovarian cancer syndrome; BRCA1- and BRCA2-Associated Hereditary Breast and Ovarian Cancer; Hereditary breast and ovarian cancer. Identifiers: Orphanet 145, MedGen C0677776, MeSH D061325, MONDO:0003582. Disease mechanism: loss of function.
Hereditary cancer-predisposing syndrome. Also called: Neoplastic Syndromes, Hereditary; Hereditary neoplastic syndrome; Hereditary Cancer Syndrome; Tumor predisposition. Identifiers: Orphanet 140162, MedGen C0027672, MeSH D009386, MONDO:0015356.

Allele frequency attached by ClinVar (database versions not stated): gnomAD exomes below 0.00001; gnomAD 0.00001; TOPMed 0.00002.
gnomAD v4.1: 13 of 1,614,108 alleles (0.00081%); highest among the groups gnomAD compares: Non-Finnish European, 0.0011%; no homozygotes.

Submissions (9):

Labcorp Genetics (formerly Invitae), Labcorp
Classification: Likely benign for Hereditary breast ovarian cancer syndrome. Last evaluated: 2026-01-25. Review status: criteria provided, single submitter. Criteria: Invitae Variant Classification Sherloc (09022015). Collection method: clinical testing. Allele origin: germline.

Ambry Genetics
Classification: Uncertain significance for Hereditary cancer-predisposing syndrome. Last evaluated: 2025-09-22. Review status: criteria provided, single submitter. Criteria: Ambry Variant Classification Scheme 2023. Collection method: clinical testing. Allele origin: germline.
Comment: The p.S1301N variant (also known as c.3902G>A), located in coding exon 9 of the BRCA1 gene, results from a G to A substitution at nucleotide position 3902. The serine at codon 1301 is replaced by asparagine, an amino acid with highly similar properties. This amino acid position is not well conserved in available vertebrate species. In addition, the in silico prediction for this alteration is inconclusive. Since supporting evidence is limited at this time, the clinical significance of this alteration remains unclear.

All of Us Research Program, National Institutes of Health
Classification: Uncertain significance for Breast-ovarian cancer, familial, susceptibility to, 1. Last evaluated: 2023-12-13. Review status: criteria provided, single submitter. Criteria: ACMG Guidelines, 2015. Collection method: clinical testing. Allele origin: germline. Inheritance: Autosomal dominant inheritance. Observed: 5 variant alleles, 5 heterozygotes.
Comment: This missense variant replaces serine with asparagine at codon 1301 of the BRCA1 protein. Computational prediction suggests that this variant may not impact protein structure and function (internally defined REVEL score threshold <= 0.5, PMID: 27666373). To our knowledge, functional studies have not been reported for this variant. This variant has been detected in a breast cancer case-control meta-analysis in 2/60466 cases and 3/53461 unaffected individuals (PMID: 33471991; Leiden Open Variation Database DB-ID BRCA1_002439). A multifactorial analysis has reported likelihood ratios for pathogenicity based on family history and co-occurrence with a pathogenic covariant at 0.0961 and 1.0331, respectively (PMID: 31131967). This variant has been identified in 1/251170 chromosomes in the general population by the Genome Aggregation Database (gnomAD). Although there is a suspicion that this variant may not be associated with disease, additional functional and clinical studies are necessary to determine the role of this variant in disease conclusively. Therefore, this variant is classified as a Variant of Uncertain Significance.

This study involves interpretation of variants in research participants for the purpose of population health screening. Participant phenotype was not available at the time of variant classification. Additional details can be found in publication PMID: 35346344, PMCID: PMC8962531

Color Diagnostics, LLC DBA Color Health
Classification: Uncertain significance for Hereditary cancer-predisposing syndrome. Last evaluated: 2023-05-18. Review status: criteria provided, single submitter. Criteria: ACMG Guidelines, 2015. Collection method: clinical testing. Allele origin: germline.
Comment: This missense variant replaces serine with asparagine at codon 1301 of the BRCA1 protein. Computational prediction suggests that this variant may not impact protein structure and function (internally defined REVEL score threshold <= 0.5, PMID: 27666373). To our knowledge, functional studies have not been reported for this variant. This variant has been detected in a breast cancer case-control meta-analysis in 2/60466 cases and 3/53461 unaffected individuals (PMID: 33471991; Leiden Open Variation Database DB-ID BRCA1_002439). A multifactorial analysis has reported likelihood ratios for pathogenicity based on family history and co-occurrence with a pathogenic covariant at 0.0961 and 1.0331, respectively (PMID: 31131967). This variant has been identified in 1/251170 chromosomes in the general population by the Genome Aggregation Database (gnomAD). Although there is a suspicion that this variant may not be associated with disease, additional functional and clinical studies are necessary to determine the role of this variant in disease conclusively. Therefore, this variant is classified as a Variant of Uncertain Significance.

University of Washington Department of Laboratory Medicine, University of Washington
Classification: Likely benign for Hereditary cancer-predisposing syndrome. Last evaluated: 2023-03-23. Review status: criteria provided, single submitter. Criteria: Dines et al. (Genet Med. 2020). Collection method: curation. Allele origin: germline.
Comment: Missense variant in a coldspot region where missense variants are very unlikely to be pathogenic (PMID:31911673).

BRCA1 coldspot (exon 11 using historical exon numbering). Reclassification based on statistical prior probability

Women's Health and Genetics/Laboratory Corporation of America, LabCorp
Classification: Uncertain significance. Last evaluated: 2022-05-12. Review status: criteria provided, single submitter. Criteria: LabCorp Variant Classification Summary - May 2015. Collection method: clinical testing. Allele origin: germline.
Comment: Variant summary: BRCA1 c.3902G>A (p.Ser1301Asn) results in a conservative amino acid change in the encoded protein sequence. Five of five in-silico tools predict a benign effect of the variant on protein function. The variant allele was found at a frequency of 4e-06 in 251170 control chromosomes. The available data on variant occurrences in the general population are insufficient to allow any conclusion about variant significance. c.3902G>A has not, to our knowledge, been reported in the literature in individuals affected with Hereditary Breast And Ovarian Cancer Syndrome nor has experimental evidence demonstrating an impact on protein function has been reported. Five clinical diagnostic laboratories have submitted clinical-significance assessments for this variant to ClinVar after 2014 without evidence for independent evaluation. Four laboratories classified the variant as VUS and one classified it as likely benign. Based on the evidence outlined above, the variant was classified as uncertain significance.

Quest Diagnostics Nichols Institute San Juan Capistrano
Classification: Uncertain significance. Last evaluated: 2020-03-19. Review status: criteria provided, single submitter. Criteria: Quest Diagnostics criteria. Collection method: clinical testing. Allele origin: unknown.

GeneDx
Classification: Likely benign. Last evaluated: 2019-09-03. Review status: criteria provided, single submitter. Criteria: GeneDx Variant Classification Process June 2021. Collection method: clinical testing. Allele origin: germline. Affected: yes.
Comment: Not observed at a significant frequency in large population cohorts (Lek et al., 2016); In silico analysis, which includes protein predictors and evolutionary conservation, supports that this variant does not alter protein structure/function; This variant is associated with the following publications: (PMID: 27135926)

BRCAlab, Lund University
Classification: Likely benign for Breast-ovarian cancer, familial, susceptibility to, 1. Last evaluated: 2020-03-02. Review status: no assertion criteria provided. Collection method: clinical testing. Allele origin: germline. Affected: yes. Not counted in ClinVar's aggregate classification.

Literature cited by the submitters: PubMed 31131967 (cited by 3 submitters); PubMed 33471991 (cited by All of Us Research Program, National Institutes of Health and Color Diagnostics, LLC DBA Color Health); PubMed 27135926 (cited by Quest Diagnostics Nichols Institute San Juan Capistrano).

NM_007294.4(BRCA1):c.3902G>A (p.Ser1301Asn)

Genes: BRCA1 (BRCA1 DNA repair associated; minus strand), LOC126862571 (BRD4-independent group 4 enhancer GRCh37_chr17:41243136-41244335; plus strand). Cytogenetic location: 17q21.31.
Variant type: single nucleotide variant.
Coding change: c.3902G>A on transcript NM_007294.4 (MANE Select); coding-DNA position 3902, G replaced by A.
Protein change: p.Ser1301Asn; replaces serine 1301 with asparagine.
Molecular consequence: missense variant. On other transcripts: intron variant (135).
Genome position (GRCh38, 1-based): chr17:43,091,629, C>T on the plus strand (G>A on the coding strand, the complement: BRCA1 is on the minus strand). VCF-style: chr17-43091629-C-T. GRCh37 (hg19) VCF-style: chr17-41243646-C-T.
Other names: c.3689G>A, p.Ser1230Asn (NM_001407571.1, NM_001407853.1, NM_001407894.1 and 9 more transcripts); c.3902G>A, p.Ser1301Asn (NM_001407581.1, NM_001407582.1, NM_001407583.1 and 30 more transcripts); c.3899G>A, p.Ser1300Asn (NM_001407587.1, NM_001407590.1, NM_001407591.1 and 22 more transcripts); c.3893G>A, p.Ser1298Asn (NM_001407646.1, NM_001407647.1); c.3779G>A, p.Ser1260Asn (NM_001407648.1, NM_001407664.1, NM_001407665.1 and 19 more transcripts); c.3776G>A, p.Ser1259Asn (NM_001407649.1, NM_001407670.1, NM_001407671.1 and 11 more transcripts); c.3824G>A, p.Ser1275Asn (NM_001407653.1, NM_001407654.1, NM_001407655.1 and 4 more transcripts); c.3821G>A, p.Ser1274Asn (NM_001407659.1, NM_001407660.1, NM_001407661.1 and 1 more transcripts); and 41 more; short protein forms S1301N, S1254N, S1005N, S1173N, S1230N, S1231N, S1234N, S1260N.
Identifiers: ClinVar variation 375449 (VCV000375449.34), dbSNP rs1057519496, ClinGen allele CA10594161.
Genomic context (GRCh38, chr17:43,091,629, plus strand): 5'-GAAGAACCAATCAAGAAAGGATCCTGGGTGTTTGTATTTGCAGTCAAGTCTTCCAATTCA[C>T]TGCACTGTGAAGAAAACAAGCTAGCAGAACATTTTGTTTCCTCACTAAGGTGATGTTCCT-3'
Protein context (NP_009225.1, residues 1291-1311): CSASLFSSQC[Ser1301Asn]ELEDLTANTN